The following is an entry in ClinVar:

NM_000440.3(PDE6A):c.1569A>G (p.Ile523Met)

Gene: PDE6A (phosphodiesterase 6A; minus strand). Cytogenetic location: 5q32.
Variant type: single nucleotide variant.
Coding change: c.1569A>G on transcript NM_000440.3 (MANE Select); coding-DNA position 1569, A replaced by G.
Protein change: p.Ile523Met; replaces isoleucine 523 with methionine.
Molecular consequence: missense variant.
Genome position (GRCh38, 1-based): chr5:149,896,407, T>C on the plus strand (A>G on the coding strand, the complement: PDE6A is on the minus strand). VCF-style: chr5-149896407-T-C. GRCh37 (hg19) VCF-style: chr5-149275970-T-C.
Other names: short protein forms I523M.
Identifiers: ClinVar variation 1377726 (VCV001377726.6), dbSNP rs2113586489, ClinGen allele CA361695390.

ClinVar aggregate classification (germline): Uncertain significance (1 of 4 stars; one submission).

Submission:

Labcorp Genetics (formerly Invitae), Labcorp
Classification: Uncertain significance. Last evaluated: 2022-07-06. Review status: criteria provided, single submitter. Criteria: Invitae Variant Classification Sherloc (09022015). Collection method: clinical testing. Allele origin: germline.
Comment: Algorithms developed to predict the effect of missense changes on protein structure and function are either unavailable or do not agree on the potential impact of this missense change (SIFT: "Deleterious"; PolyPhen-2: "Possibly Damaging"; Align-GVGD: "Class C0"). This sequence change replaces isoleucine, which is neutral and non-polar, with methionine, which is neutral and non-polar, at codon 523 of the PDE6A protein (p.Ile523Met). This variant is not present in population databases (gnomAD no frequency). This variant has not been reported in the literature in individuals affected with PDE6A-related conditions. ClinVar contains an entry for this variant (Variation ID: 1377726). In summary, the available evidence is currently insufficient to determine the role of this variant in disease. Therefore, it has been classified as a Variant of Uncertain Significance.